The following is an entry in ClinVar:

NM_000051.4(ATM):c.986G>A (p.Arg329Lys)

Gene: ATM (ATM serine/threonine kinase; plus strand). Cytogenetic location: 11q22.3.
Variant type: single nucleotide variant.
Coding change: c.986G>A on transcript NM_000051.4 (MANE Select); coding-DNA position 986, G replaced by A.
Protein change: p.Arg329Lys; replaces arginine 329 with lysine.
Molecular consequence: missense variant.
Genome position (GRCh38, 1-based): chr11:108,247,048, G>A. VCF-style: chr11-108247048-G-A. GRCh37 (hg19) VCF-style: chr11-108117775-G-A.
Other names: c.986G>A, p.Arg329Lys (NM_001351834.2); short protein forms R329K.
Identifiers: ClinVar variation 236798 (VCV000236798.27), dbSNP rs776938735, ClinGen allele CA6264714.

ClinVar aggregate classification (germline): Conflicting classifications of pathogenicity. Review status: criteria provided, conflicting classifications (1 of 4 stars). 12 submissions from 12 submitters: Uncertain significance (9); Likely benign (1). 2 of the submissions do not count toward it. Last evaluated 2026-10-01.

Conditions:
ATM-related disorder. Also called: ATM-related disorders; ATM-related condition.
Hereditary cancer-predisposing syndrome. Also called: Hereditary neoplastic syndrome; Hereditary Cancer Syndrome; Neoplastic Syndromes, Hereditary; Tumor predisposition. Identifiers: Orphanet 140162, MedGen C0027672, MeSH D009386, MONDO:0015356.
Ataxia-telangiectasia syndrome (AT). Also called: Ataxia-telangiectasia, complementation group D; Ataxia telangiectasia (A-T); LOUIS-BAR SYNDROME; AT, COMPLEMENTATION GROUP C; ATAXIA-TELANGIECTASIA, COMPLEMENTATION GROUP A; ATAXIA-TELANGIECTASIA, FRESNO VARIANT. Identifiers: Orphanet 100, MedGen C0004135, MONDO:0008840, OMIM 208900.
Familial cancer of breast. Also called: Hereditary breast cancer; BREAST CANCER, FAMILIAL; hereditary breast carcinoma. Identifiers: Orphanet 227535, MedGen C0346153, MONDO:0016419, OMIM 114480. Disease mechanism: loss of function.

Allele frequency attached by ClinVar (database versions not stated): gnomAD below 0.00001 and 0.00001; gnomAD exomes 0.00003 and 0.00006; ExAC 0.00005.
gnomAD v4.1: 50 of 1,613,656 alleles (0.0031%); highest among the groups gnomAD compares: South Asian, 0.051%; 2 homozygotes.

Submissions (12):

St. Jude Molecular Pathology, St. Jude Children's Research Hospital
Classification: Uncertain significance for Ataxia-telangiectasia syndrome. Last evaluated: 2026-10-01. Review status: criteria provided, single submitter. Criteria: St. Jude Assertion Criteria 2020. Collection method: clinical testing. Allele origin: germline.
Comment: The ATM c.986G>A p.(Arg329Lys) missense change has a maximum subpopulation frequency of 0.05% in gnomAD v2.1.1. The in silico tool REVEL is inconclusive about a pathogenic or benign effect of this variant on protein function, and to our knowledge functional studies have not been performed. To our knowledge, this variant has not be en reported in individuals with ataxia telangiectasia. In summary, the evidence currently available is insufficient to determine the clinical significance of this variant. It has therefore been classified as of uncertain significance.

Color Diagnostics, LLC DBA Color Health
Classification: Likely benign for Hereditary cancer-predisposing syndrome. Last evaluated: 2025-09-02. Review status: criteria provided, single submitter. Criteria: ACMG Guidelines, 2015. Collection method: clinical testing. Allele origin: germline.

Labcorp Genetics (formerly Invitae), Labcorp
Classification: Uncertain significance for Ataxia-telangiectasia syndrome. Last evaluated: 2025-01-06. Review status: criteria provided, single submitter. Criteria: Invitae Variant Classification Sherloc (09022015). Collection method: clinical testing. Allele origin: germline.
Comment: This sequence change replaces arginine, which is basic and polar, with lysine, which is basic and polar, at codon 329 of the ATM protein (p.Arg329Lys). This variant is present in population databases (rs776938735, gnomAD 0.05%). This variant has not been reported in the literature in individuals affected with ATM-related conditions. ClinVar contains an entry for this variant (Variation ID: 236798). Invitae Evidence Modeling of protein sequence and biophysical properties (such as structural, functional, and spatial information, amino acid conservation, physicochemical variation, residue mobility, and thermodynamic stability) indicates that this missense variant is not expected to disrupt ATM protein function with a negative predictive value of 95%. In summary, the available evidence is currently insufficient to determine the role of this variant in disease. Therefore, it has been classified as a Variant of Uncertain Significance.

Ambry Genetics
Classification: Uncertain significance for Hereditary cancer-predisposing syndrome. Last evaluated: 2024-07-25. Review status: criteria provided, single submitter. Criteria: Ambry Variant Classification Scheme 2023. Collection method: clinical testing. Allele origin: germline.
Comment: The p.R329K variant (also known as c.986G>A), located in coding exon 7 of the ATM gene, results from a G to A substitution at nucleotide position 986. The arginine at codon 329 is replaced by lysine, an amino acid with highly similar properties. This amino acid position is highly conserved in available vertebrate species. In addition, the in silico prediction for this alteration is inconclusive. Based on the available evidence, the clinical significance of this variant remains unclear.

Department of Human Genetics, Hannover Medical School
Classification: Uncertain significance for Ataxia-telangiectasia syndrome. Last evaluated: 2024-06-11. Review status: criteria provided, single submitter. Criteria: ACMG Guidelines, 2015. Collection method: clinical testing. Allele origin: germline. Inheritance: Autosomal recessive inheritance. Affected: no.

KCCC/NGS Laboratory, Kuwait Cancer Control Center
Classification: Uncertain significance for Familial cancer of breast. Last evaluated: 2024-01-31. Review status: criteria provided, single submitter. Criteria: ACMG Guidelines, 2015. Collection method: clinical testing. Allele origin: germline. Inheritance: Autosomal dominant inheritance. Affected: yes. Observed: 1 heterozygote.
Comment: This sequence change replaces arginine, which is basic and polar, with lysine, which is basic and polar, at codon 329 of the ATM protein (p.Arg329Lys).This amino acid position is highly conserved ( PhyloP=9.14). This variant is present in population databases (rs776938735, gnomAD 0.05%). This variant has not been reported in the literature in individuals affected with ATM-related conditions. ClinVar contains an entry for this variant (Variation ID: 236798). In addition, the in silico prediction for this alteration is inconclusive. In summary, the available evidence is currently insufficient to determine the role of this variant in disease. Therefore, it has been classified as a Variant of Uncertain Significance. Pathogenic/likely pathogenic mutations in the ATM gene cause susceptibility to breast cancer (OMIM# 114480).

Baylor Genetics
Classification: Uncertain significance for Familial cancer of breast. Last evaluated: 2023-10-12. Review status: criteria provided, single submitter. Criteria: ACMG Guidelines, 2015. Collection method: clinical testing. Allele origin: unknown.

GeneDx
Classification: Uncertain significance. Last evaluated: 2023-08-31. Review status: criteria provided, single submitter. Criteria: GeneDx Variant Classification Process June 2021. Collection method: clinical testing. Allele origin: germline. Affected: yes.
Comment: In silico analysis supports that this missense variant does not alter protein structure/function; Has not been previously published as pathogenic or benign to our knowledge

Sema4
Classification: Uncertain significance for Hereditary cancer-predisposing syndrome. Last evaluated: 2021-11-17. Review status: criteria provided, single submitter. Criteria: Sema4 Curation Guidelines. Collection method: curation. Allele origin: germline.
Comment: The ATM c.986G>A (p.R329K) variant has not been reported in the literature to our knowledge. It was observed in 15/30612 chromosomes of the South Asian subpopulation, with no homozygotes, in the large and broad cohorts of the Genome Aggregation Database (PMID: 32461654). The variant has been reported in ClinVar (Variation ID: 236798). Functional studies have not been performed, and in silico predictions of the variant's effect on protein function are inconclusive. The evidence is insufficient to meet ACMG/AMP criteria for classifying the variant as benign or pathogenic. Thus, the clinical significance of this variant is currently uncertain.

Center for Genomics, Ann and Robert H. Lurie Children's Hospital of Chicago
Classification: Uncertain significance for Ataxia-telangiectasia syndrome; Familial cancer of breast. Review status: criteria provided, single submitter. Criteria: ACMG Guidelines, 2015. Collection method: clinical testing. Allele origin: germline.
Comment: This variant has not been reported in literature but is present in 0.05% (15/30612) of South Asian alleles in the Genome Aggregation Database. This variant is present in ClinVar with several labs classifying it as a variant of uncertain significance (Variant ID:236798). Evolutionary conservation and computational predictive tools suggest that this variant may not impact the protein. In summary, data on this variant is insufficient for disease classification. Therefore, the clinical significance of this variant is uncertain.

PreventionGenetics, part of Exact Sciences
Classification: Uncertain significance for ATM-related condition. Last evaluated: 2024-03-11. Review status: no assertion criteria provided. Collection method: clinical testing. Allele origin: germline. Not counted in ClinVar's aggregate classification.
Comment: The ATM c.986G>A variant is predicted to result in the amino acid substitution p.Arg329Lys. To our knowledge, this variant has not been reported in the literature. This variant is reported in 0.049% of alleles in individuals of South Asian descent in gnomAD. This variant is interpreted as uncertain in ClinVar. At this time, the clinical significance of this variant is uncertain due to the absence of conclusive functional and genetic evidence.

Natera, Inc.
Classification: Uncertain significance for Ataxia-telangiectasia. Last evaluated: 2020-09-16. Review status: no assertion criteria provided. Collection method: clinical testing. Allele origin: germline. Not counted in ClinVar's aggregate classification.